The following is an entry in ClinVar:

ClinVar aggregate classification (germline): Uncertain significance (1 of 4 stars; one submission).

Conditions:
Deficiency of phosphoserine phosphatase (PSPHD). Also called: Phosphoserine phosphatase deficiency; PSPH deficiency. Identifiers: Orphanet 79350, MedGen C1291463, MONDO:0013531, OMIM 614023.

Submission:

Labcorp Genetics (formerly Invitae), Labcorp
Classification: Uncertain significance for Deficiency of phosphoserine phosphatase. Last evaluated: 2024-06-12. Review status: criteria provided, single submitter. Criteria: Invitae Variant Classification Sherloc (09022015). Collection method: clinical testing. Allele origin: germline.
Comment: This sequence change replaces threonine, which is neutral and polar, with proline, which is neutral and non-polar, at codon 214 of the PSPH protein (p.Thr214Pro). This variant is not present in population databases (gnomAD no frequency). This variant has not been reported in the literature in individuals affected with PSPH-related conditions. An algorithm developed to predict the effect of missense changes on protein structure and function (PolyPhen-2) suggests that this variant is likely to be disruptive. In summary, the available evidence is currently insufficient to determine the role of this variant in disease. Therefore, it has been classified as a Variant of Uncertain Significance.

NM_004577.4(PSPH):c.640A>C (p.Thr214Pro)

Gene: PSPH (phosphoserine phosphatase; minus strand). Cytogenetic location: 7p11.2.
Variant type: single nucleotide variant.
Coding change: c.640A>C on transcript NM_004577.4 (MANE Select); coding-DNA position 640, A replaced by C.
Protein change: p.Thr214Pro; replaces threonine 214 with proline.
Molecular consequence: missense variant.
Genome position (GRCh38, 1-based): chr7:56,011,800, T>G on the plus strand (A>C on the coding strand, the complement: PSPH is on the minus strand). VCF-style: chr7-56011800-T-G. GRCh37 (hg19) VCF-style: chr7-56079493-T-G.
Other names: c.640A>C, p.Thr214Pro (NM_001370503.1, NM_001370504.1, NM_001370505.1 and 17 more transcripts); short protein forms T214P.
Identifiers: ClinVar variation 3653943 (VCV003653943.2).